The following is an entry in ClinVar:

ClinVar aggregate classification (germline): Likely pathogenic (1 of 4 stars; one submission).

Conditions:
Marfan syndrome (MFS). Also called: FBN1-Related Marfan Syndrome; MARFAN SYNDROME, TYPE I; Marfan syndrome type 1; Marfan's syndrome; Marfan syndrome, classic. Identifiers: Orphanet 284963, Orphanet 558, MedGen C0024796, MONDO:0007947, OMIM 154700.
Familial thoracic aortic aneurysm and aortic dissection (TAAD). Also called: Thoracic aortic aneurysms and dissections. Identifiers: Orphanet 91387, MedGen C4707243, MONDO:0019625.

Submission:

Labcorp Genetics (formerly Invitae), Labcorp
Classification: Likely pathogenic for Marfan syndrome; Familial thoracic aortic aneurysm and aortic dissection. Last evaluated: 2020-04-21. Review status: criteria provided, single submitter. Criteria: Invitae Variant Classification Sherloc (09022015). Collection method: clinical testing. Allele origin: germline.
Comment: This sequence change replaces cysteine with glycine at codon 1111 of the FBN1 protein (p.Cys1111Gly). The cysteine residue is highly conserved and there is a large physicochemical difference between cysteine and glycine. This variant is not present in population databases (ExAC no frequency). This variant has not been reported in the literature in individuals with FBN1-related conditions. Algorithms developed to predict the effect of missense changes on protein structure and function (SIFT, PolyPhen-2, Align-GVGD) all suggest that this variant is likely to be disruptive, but these predictions have not been confirmed by published functional studies and their clinical significance is uncertain. In summary, the currently available evidence indicates that the variant is pathogenic, but additional data are needed to prove that conclusively. Therefore, this variant has been classified as Likely Pathogenic. This variant affects a cysteine residue in the EGF-like, TGFBP or hybrid motif domains of FBN1. Cysteine residues are believed to be involved in intramolecular disulfide bridges and have been shown to be important for FBN1 protein structure (PMID: 16905551, 19349279). In addition, missense substitutions affecting cysteine residues within these domains are significantly overrepresented among patients with Marfan syndrome (PMID: 16571647, 17701892).

Literature cited by the submitters: PubMed 16905551; PubMed 19349279; PubMed 16571647; PubMed 17701892.

NM_000138.5(FBN1):c.3331T>G (p.Cys1111Gly)

Gene: FBN1 (fibrillin 1; minus strand). Cytogenetic location: 15q21.1.
Variant type: single nucleotide variant.
Coding change: c.3331T>G on transcript NM_000138.5 (MANE Select); coding-DNA position 3331, T replaced by G.
Protein change: p.Cys1111Gly; replaces cysteine 1111 with glycine.
Molecular consequence: missense variant.
Genome position (GRCh38, 1-based): chr15:48,488,119, A>C on the plus strand (T>G on the coding strand, the complement: FBN1 is on the minus strand). VCF-style: chr15-48488119-A-C. GRCh37 (hg19) VCF-style: chr15-48780316-A-C.
Other names: short protein forms C1111G.
Identifiers: ClinVar variation 1067104 (VCV001067104.9), dbSNP rs2141294587, ClinGen allele CA392326986.